The following is an entry in ClinVar:

ClinVar aggregate classification (germline): Likely benign. Review status: criteria provided, multiple submitters, no conflicts (2 of 4 stars). 4 submissions from 4 submitters: Likely benign (4). Last evaluated 2026-04-22.

Conditions:
GP1BA-related disorder. Also called: GP1BA-related condition.

Allele frequency attached by ClinVar (database versions not stated): gnomAD 0.00005; TOPMed 0.00008; ExAC 0.00009.

Submissions (4):

PreventionGenetics, part of Exact Sciences
Classification: Likely benign for GP1BA-related condition. Last evaluated: 2026-04-22. Review status: criteria provided, single submitter. Criteria: ACMG Guidelines, 2015. Collection method: clinical testing. Allele origin: germline.
Comment: This variant is classified as likely benign based on ACMG/AMP sequence variant interpretation guidelines (Richards et al. 2015 PMID: 25741868, with internal and published modifications).

Labcorp Genetics (formerly Invitae), Labcorp
Classification: Likely benign. Last evaluated: 2025-09-14. Review status: criteria provided, single submitter. Criteria: Invitae Variant Classification Sherloc (09022015). Collection method: clinical testing. Allele origin: germline.

Blueprint Genetics
Classification: Likely benign. Last evaluated: 2024-11-13. Review status: criteria provided, single submitter. Criteria: ACMG Guidelines, 2015. Collection method: clinical testing. Allele origin: germline.

CeGaT Center for Human Genetics Tuebingen
Classification: Likely benign. Last evaluated: 2024-05-01. Review status: criteria provided, single submitter. Criteria: CeGaT Center For Human Genetics Tuebingen Variant Classification Criteria Version 2. Collection method: clinical testing. Allele origin: germline. Affected: yes. Observed: 1 variant allele.
Comment: GP1BA: BP4, BP7

NM_000173.7(GP1BA):c.1452C>T (p.Pro484=)

Gene: GP1BA (glycoprotein Ib platelet subunit alpha; plus strand). Cytogenetic location: 17p13.2.
Variant type: single nucleotide variant.
Coding change: c.1452C>T on transcript NM_000173.7 (MANE Select); coding-DNA position 1452, C replaced by T.
Protein change: p.Pro484=; no amino-acid change (proline 484 retained).
Molecular consequence: synonymous variant.
Genome position (GRCh38, 1-based): chr17:4,934,056, C>T. VCF-style: chr17-4934056-C-T. GRCh37 (hg19) VCF-style: chr17-4837351-C-T.
Other names: c.1452C>T (NM_000173.6).
Identifiers: ClinVar variation 3239103 (VCV003239103.22), dbSNP rs751901131.
Genomic context (GRCh38, chr17:4,934,056, plus strand): 5'-CCTGGTGTCTGCCACAAGCCTGATCACTCCAAAAAGCACATTTTTAACTACCACAAAACC[C>T]GTATCACTCTTAGAATCCACCAAAAAAACCATCCCTGAACTTGATCAGCCACCAAAGCTC-3'
Protein context (NP_000164.5, residues 474-494): PKSTFLTTTK[Pro484=]VSLLESTKKT